The following is an entry in ClinVar:

ClinVar aggregate classification (germline): Likely benign (1 of 4 stars; one submission).

Allele frequency attached by ClinVar (database versions not stated): ExAC 0.00045; 1000 Genomes Project 30x 0.00062; 1000 Genomes Project 0.00080; gnomAD 0.00026; TOPMed 0.00028; ESP Exome Variant Server 0.00031.
gnomAD v4.1: 463 of 1,613,332 alleles (0.029%); highest among the groups gnomAD compares: South Asian, 0.088%; 1 homozygote.

Submission:

CeGaT Center for Human Genetics Tuebingen
Classification: Likely benign. Last evaluated: 2023-02-01. Review status: criteria provided, single submitter. Criteria: CeGaT Center For Human Genetics Tuebingen Variant Classification Criteria Version 2. Collection method: clinical testing. Allele origin: germline. Affected: yes. Observed: 1 variant allele.
Comment: QRICH2: BP4, BP7

NM_001388453.1(QRICH2):c.681G>A (p.Thr227=)

Gene: QRICH2 (glutamine rich 2; minus strand). Cytogenetic location: 17q25.1.
Variant type: single nucleotide variant.
Coding change: c.681G>A on transcript NM_001388453.1 (MANE Select); coding-DNA position 681, G replaced by A.
Protein change: p.Thr227=; no amino-acid change (threonine 227 retained).
Molecular consequence: synonymous variant. On other transcripts: non-coding transcript variant (1).
Genome position (GRCh38, 1-based): chr17:76,304,439, C>T on the plus strand (G>A on the coding strand, the complement: QRICH2 is on the minus strand). VCF-style: chr17-76304439-C-T. GRCh37 (hg19) VCF-style: chr17-74300520-C-T.
Other names: c.681G>A, p.Thr227= (NM_032134.3).
Identifiers: ClinVar variation 2648313 (VCV002648313.24), dbSNP rs139449389, ClinGen allele CA8784456.